The following is an entry in ClinVar:

NM_002661.5(PLCG2):c.648G>A (p.Ser216=)

Gene: PLCG2 (phospholipase C gamma 2; plus strand). Cytogenetic location: 16q23.3.
Variant type: single nucleotide variant.
Coding change: c.648G>A on transcript NM_002661.5 (MANE Select); coding-DNA position 648, G replaced by A.
Protein change: p.Ser216=; no amino-acid change (serine 216 retained).
Molecular consequence: synonymous variant.
Genome position (GRCh38, 1-based): chr16:81,870,935, G>A. VCF-style: chr16-81870935-G-A. GRCh37 (hg19) VCF-style: chr16-81904540-G-A.
Other names: c.648G>A, p.Ser216= (NM_001425749.1, NM_001425750.1, NM_001425751.1).
Identifiers: ClinVar variation 2902344 (VCV002902344.3), dbSNP rs1417461035, ClinGen allele CA496706924.

ClinVar aggregate classification (germline): Uncertain significance (1 of 4 stars; one submission).

Conditions:
Familial cold autoinflammatory syndrome 3 (FCAS3). Also called: ANTIBODY DEFICIENCY AND IMMUNE DYSREGULATION, PLCG2-ASSOCIATED; FAMILIAL ATYPICAL COLD URTICARIA. Identifiers: Orphanet 300359, MedGen C3280914, MONDO:0013766, OMIM 614468.

Allele frequency attached by ClinVar (database versions not stated): gnomAD exomes below 0.00001; gnomAD 0.00001.
gnomAD v4.1: 2 of 1,528,472 alleles (0.00013%); highest among the groups gnomAD compares: South Asian, 0.0012%; no homozygotes.

Submission:

Labcorp Genetics (formerly Invitae), Labcorp
Classification: Uncertain significance for Familial cold autoinflammatory syndrome 3. Last evaluated: 2023-05-23. Review status: criteria provided, single submitter. Criteria: Invitae Variant Classification Sherloc (09022015). Collection method: clinical testing. Allele origin: germline.
Comment: This variant has not been reported in the literature in individuals affected with PLCG2-related conditions. In summary, the available evidence is currently insufficient to determine the role of this variant in disease. Therefore, it has been classified as a Variant of Uncertain Significance. Variants that disrupt the consensus splice site are a relatively common cause of aberrant splicing (PMID: 17576681, 9536098). Algorithms developed to predict the effect of sequence changes on RNA splicing suggest that this variant may disrupt the consensus splice site. This variant is present in population databases (no rsID available, gnomAD 0.0009%). This sequence change affects codon 216 of the PLCG2 mRNA. It is a 'silent' change, meaning that it does not change the encoded amino acid sequence of the PLCG2 protein. This variant also falls at the last nucleotide of exon 7, which is part of the consensus splice site for this exon.

Literature cited by the submitters: PubMed 17576681; PubMed 9536098.